The following is an entry in ClinVar:

NM_001830.4(CLCN4):c.902C>T (p.Ala301Val)

Gene: CLCN4 (Cl-/H+ antiporter 4; plus strand). Cytogenetic location: Xp22.2.
Variant type: single nucleotide variant.
Coding change: c.902C>T on transcript NM_001830.4 (MANE Select); coding-DNA position 902, C replaced by T.
Protein change: p.Ala301Val; replaces alanine 301 with valine.
Molecular consequence: missense variant.
Genome position (GRCh38, 1-based): chrX:10,208,103, C>T. VCF-style: chrX-10208103-C-T. GRCh37 (hg19) VCF-style: chrX-10176143-C-T.
Other names: c.620C>T, p.Ala207Val (NM_001256944.2); short protein forms A207V, A301V.
Identifiers: ClinVar variation 4681841 (VCV004681841.6).

ClinVar aggregate classification (germline): Uncertain significance. Review status: criteria provided, multiple submitters, no conflicts (2 of 4 stars). 2 submissions from 2 submitters: Uncertain significance (2). Last evaluated 2025-12-01.

gnomAD v4.1: 3 of 1,209,306 alleles (0.00025%); highest among the groups gnomAD compares: Non-Finnish European, 0.00034%; no homozygotes.

Submissions (2):

CeGaT Center for Human Genetics Tuebingen
Classification: Uncertain significance. Last evaluated: 2025-12-01. Review status: criteria provided, single submitter. Criteria: CeGaT Center For Human Genetics Tuebingen Variant Classification Criteria Version 2. Collection method: clinical testing. Allele origin: germline. Affected: yes. Observed: 2 variant alleles.
Comment: CLCN4: PM2, PP2, PP3

Blueprint Genetics
Classification: Uncertain significance. Last evaluated: 2023-06-13. Review status: criteria provided, single submitter. Criteria: ACMG Guidelines, 2015. Collection method: clinical testing. Allele origin: germline.